The following is an entry in ClinVar:

NM_024741.3(ZNF408):c.1889G>A (p.Arg630Gln)

Gene: ZNF408 (zinc finger protein 408; plus strand). Cytogenetic location: 11p11.2.
Variant type: single nucleotide variant.
Coding change: c.1889G>A on transcript NM_024741.3 (MANE Select); coding-DNA position 1889, G replaced by A.
Protein change: p.Arg630Gln; replaces arginine 630 with glutamine.
Molecular consequence: missense variant.
Genome position (GRCh38, 1-based): chr11:46,705,589, G>A. VCF-style: chr11-46705589-G-A. GRCh37 (hg19) VCF-style: chr11-46727139-G-A.
Other names: c.1865G>A, p.Arg622Gln (NM_001184751.2); c.1889G>A (NM_024741.2); short protein forms R622Q, R630Q.
Identifiers: ClinVar variation 1044949 (VCV001044949.10), dbSNP rs138519217, ClinGen allele CA5966664.

ClinVar aggregate classification (germline): Conflicting classifications of pathogenicity. Review status: criteria provided, conflicting classifications (1 of 4 stars). 3 submissions from 3 submitters: Uncertain significance (1); Likely benign (2). Last evaluated 2024-06-30.

Conditions:
Inborn genetic diseases. Identifiers: MedGen C0950123, MeSH D030342.

Allele frequency attached by ClinVar (database versions not stated): TOPMed 0.00006.

Submissions (3):

Labcorp Genetics (formerly Invitae), Labcorp
Classification: Uncertain significance. Last evaluated: 2024-06-30. Review status: criteria provided, single submitter. Criteria: Invitae Variant Classification Sherloc (09022015). Collection method: clinical testing. Allele origin: germline.
Comment: This sequence change replaces arginine, which is basic and polar, with glutamine, which is neutral and polar, at codon 630 of the ZNF408 protein (p.Arg630Gln). This variant is present in population databases (rs138519217, gnomAD 0.009%). This variant has not been reported in the literature in individuals affected with ZNF408-related conditions. ClinVar contains an entry for this variant (Variation ID: 1044949). Algorithms developed to predict the effect of missense changes on protein structure and function output the following: SIFT: "Not Available"; PolyPhen-2: "Benign"; Align-GVGD: "Not Available". The glutamine amino acid residue is found in multiple mammalian species, which suggests that this missense change does not adversely affect protein function. In summary, the available evidence is currently insufficient to determine the role of this variant in disease. Therefore, it has been classified as a Variant of Uncertain Significance.

Blueprint Genetics
Classification: Likely benign. Last evaluated: 2024-05-08. Review status: criteria provided, single submitter. Criteria: ACMG Guidelines, 2015. Collection method: clinical testing. Allele origin: germline.

Ambry Genetics
Classification: Likely benign for Inborn genetic diseases. Last evaluated: 2022-01-10. Review status: criteria provided, single submitter. Criteria: Ambry Variant Classification Scheme 2023. Collection method: clinical testing. Allele origin: germline.